The following is an entry in ClinVar:

NM_152703.5(SAMD9L):c.2083T>C (p.Trp695Arg)

Gene: SAMD9L (sterile alpha motif domain containing 9 like; minus strand). Cytogenetic location: 7q21.2.
Variant type: single nucleotide variant.
Coding change: c.2083T>C on transcript NM_152703.5 (MANE Select); coding-DNA position 2083, T replaced by C.
Protein change: p.Trp695Arg; replaces tryptophan 695 with arginine.
Molecular consequence: missense variant.
Genome position (GRCh38, 1-based): chr7:93,133,889, A>G on the plus strand (T>C on the coding strand, the complement: SAMD9L is on the minus strand). VCF-style: chr7-93133889-A-G. GRCh37 (hg19) VCF-style: chr7-92763202-A-G.
Other names: c.2083T>C, p.Trp695Arg (NM_001303496.3, NM_001303497.3, NM_001303498.3 and 5 more transcripts); c.2083T>C (NM_152703.2); short protein forms W695R.
Identifiers: ClinVar variation 3649605 (VCV003649605.3).

ClinVar aggregate classification (germline): Uncertain significance. Review status: criteria provided, multiple submitters, no conflicts (2 of 4 stars). 2 submissions from 2 submitters: Uncertain significance (2). Last evaluated 2024-12-13.

Conditions:
Inborn genetic diseases. Identifiers: MedGen C0950123, MeSH D030342.

gnomAD v4.1: 1 of 1,613,836 alleles (0.000062%); highest among the groups gnomAD compares: Non-Finnish European, 0.000085%; no homozygotes.

Submissions (2):

Ambry Genetics
Classification: Uncertain significance for Inborn genetic diseases. Last evaluated: 2024-12-13. Review status: criteria provided, single submitter. Criteria: Ambry Variant Classification Scheme 2023. Collection method: clinical testing. Allele origin: germline.
Comment: The p.W695R variant (also known as c.2083T>C), located in coding exon 1 of the SAMD9L gene, results from a T to C substitution at nucleotide position 2083. The tryptophan at codon 695 is replaced by arginine, an amino acid with dissimilar properties. This amino acid position is conserved. In addition, this alteration is predicted to be deleterious by in silico analysis. Based on the available evidence, the clinical significance of this variant remains unclear.

Labcorp Genetics (formerly Invitae), Labcorp
Classification: Uncertain significance. Last evaluated: 2024-04-11. Review status: criteria provided, single submitter. Criteria: Invitae Variant Classification Sherloc (09022015). Collection method: clinical testing. Allele origin: germline.
Comment: This sequence change replaces tryptophan, which is neutral and slightly polar, with arginine, which is basic and polar, at codon 695 of the SAMD9L protein (p.Trp695Arg). This variant is not present in population databases (gnomAD no frequency). This variant has not been reported in the literature in individuals affected with SAMD9L-related conditions. Advanced modeling of protein sequence and biophysical properties (such as structural, functional, and spatial information, amino acid conservation, physicochemical variation, residue mobility, and thermodynamic stability) performed at Invitae indicates that this missense variant is expected to disrupt SAMD9L protein function with a positive predictive value of 80%. In summary, the available evidence is currently insufficient to determine the role of this variant in disease. Therefore, it has been classified as a Variant of Uncertain Significance.